The following is an entry in ClinVar:

ClinVar aggregate classification (germline): Likely pathogenic (1 of 4 stars; one submission).

Submission:

Labcorp Genetics (formerly Invitae), Labcorp
Classification: Likely pathogenic. Last evaluated: 2022-12-08. Review status: criteria provided, single submitter. Criteria: Invitae Variant Classification Sherloc (09022015). Collection method: clinical testing. Allele origin: germline.
Comment: In summary, the currently available evidence indicates that the variant is pathogenic, but additional data are needed to prove that conclusively. Therefore, this variant has been classified as Likely Pathogenic. Algorithms developed to predict the effect of sequence changes on RNA splicing suggest that this variant may disrupt the consensus splice site. This variant has not been reported in the literature in individuals affected with DEAF1-related conditions. This variant is not present in population databases (gnomAD no frequency). This sequence change affects a donor splice site in intron 7 of the DEAF1 gene. It is expected to disrupt RNA splicing. Variants that disrupt the donor or acceptor splice site typically lead to a loss of protein function (PMID: 16199547), and loss-of-function variants in DEAF1 are known to be pathogenic (PMID: 30923367).

Literature cited by the submitters: PubMed 16199547; PubMed 30923367.

NM_021008.4(DEAF1):c.997+1G>C

Gene: DEAF1 (DEAF1 transcription factor; minus strand). Cytogenetic location: 11p15.5.
Variant type: single nucleotide variant.
Coding change: c.997+1G>C on transcript NM_021008.4 (MANE Select); the canonical splice donor site of the intron after coding-DNA position 997, G replaced by C.
Molecular consequence: splice donor variant. On other transcripts: intron variant (1).
Genome position (GRCh38, 1-based): chr11:680,962, C>G on the plus strand (G>C on the coding strand, the complement: DEAF1 is on the minus strand). VCF-style: chr11-680962-C-G. GRCh37 (hg19) VCF-style: chr11-680962-C-G.
Other names: c.271+1G>C (NM_001367390.1, NM_001440885.1, NM_001440887.1 and 1 more transcripts); c.731-1146G>C (NM_001293634.2); c.997+1G>C (NM_001440884.1, NM_001440883.1).
Identifiers: ClinVar variation 2807167 (VCV002807167.3), dbSNP rs2494417367, ClinGen allele CA378927715.
Genomic context (GRCh38, chr11:680,962, plus strand): 5'-GAGAGAAGGCAATGCACTCAGGTCCCCTCAGTAAACTAGAGCTGTGTTTTCTCAAACTCA[C>G]AGGTGGTAGCCGCGGTGGCTGGAAGCAATGTGATGTTCTTGGGGGAGTCCTTCTTCACGG-3'